The following is an entry in ClinVar:

ClinVar aggregate classification (germline): Uncertain significance (1 of 4 stars; one submission).

Conditions:
Aortic aneurysm, familial thoracic 7 (AAT7). Also called: AORTIC DISSECTION, FAMILIAL, WITH OR WITHOUT AORTIC ANEURYSM. Identifiers: MedGen C3151077, MONDO:0013418, OMIM 613780.

Submission:

Labcorp Genetics (formerly Invitae), Labcorp
Classification: Uncertain significance for Aortic aneurysm, familial thoracic 7. Last evaluated: 2025-04-10. Review status: criteria provided, single submitter. Criteria: Invitae Variant Classification Sherloc (09022015). Collection method: clinical testing. Allele origin: germline.
Comment: This sequence change replaces isoleucine, which is neutral and non-polar, with threonine, which is neutral and polar, at codon 1145 of the MYLK protein (p.Ile1145Thr). This variant is not present in population databases (gnomAD no frequency). This variant has not been reported in the literature in individuals affected with MYLK-related conditions. Invitae Evidence Modeling of protein sequence and biophysical properties (such as structural, functional, and spatial information, amino acid conservation, physicochemical variation, residue mobility, and thermodynamic stability) indicates that this missense variant is not expected to disrupt MYLK protein function with a negative predictive value of 80%. In summary, the available evidence is currently insufficient to determine the role of this variant in disease. Therefore, it has been classified as a Variant of Uncertain Significance.

NM_053025.4(MYLK):c.3434T>C (p.Ile1145Thr)

Gene: MYLK (myosin light chain kinase; minus strand). Cytogenetic location: 3q21.1.
Variant type: single nucleotide variant.
Coding change: c.3434T>C on transcript NM_053025.4 (MANE Select); coding-DNA position 3434, T replaced by C.
Protein change: p.Ile1145Thr; replaces isoleucine 1145 with threonine.
Molecular consequence: missense variant.
Genome position (GRCh38, 1-based): chr3:123,700,034, A>G on the plus strand (T>C on the coding strand, the complement: MYLK is on the minus strand). VCF-style: chr3-123700034-A-G. GRCh37 (hg19) VCF-style: chr3-123418881-A-G.
Other names: c.2906T>C, p.Ile969Thr (NM_001321309.2); c.3227T>C, p.Ile1076Thr (NM_053026.4, NM_053028.4); c.3434T>C, p.Ile1145Thr (NM_053027.4); short protein forms I1145T, I1076T, I969T.
Identifiers: ClinVar variation 4749796 (VCV004749796.1).